The following is an entry in ClinVar:

ClinVar aggregate classification (germline): Uncertain significance (1 of 4 stars; one submission).

Conditions:
Hereditary cancer-predisposing syndrome. Also called: Hereditary neoplastic syndrome; Neoplastic Syndromes, Hereditary; Tumor predisposition; Hereditary Cancer Syndrome. Identifiers: Orphanet 140162, MedGen C0027672, MeSH D009386, MONDO:0015356.

Submission:

Ambry Genetics
Classification: Uncertain significance for Hereditary cancer-predisposing syndrome. Last evaluated: 2025-08-27. Review status: criteria provided, single submitter. Criteria: Ambry Variant Classification Scheme 2023. Collection method: clinical testing. Allele origin: germline.
Comment: The p.V76L variant (also known as c.226G>C), located in coding exon 3 of the MUTYH gene, results from a G to C substitution at nucleotide position 226. The valine at codon 76 is replaced by leucine, an amino acid with highly similar properties. This amino acid position is conserved. In addition, this alteration is predicted to be tolerated by in silico analysis. Based on the available evidence, the clinical significance of this variant remains unclear.

NM_001048174.2(MUTYH):c.142G>C (p.Val48Leu)

Gene: MUTYH (mutY DNA glycosylase; minus strand). Cytogenetic location: 1p34.1.
Variant type: single nucleotide variant.
Coding change: c.142G>C on transcript NM_001048174.2 (MANE Select); coding-DNA position 142, G replaced by C.
Protein change: p.Val48Leu; replaces valine 48 with leucine.
Molecular consequence: missense variant. On other transcripts: 5 prime UTR variant (1), non-coding transcript variant (5), intron variant (5).
Genome position (GRCh38, 1-based): chr1:45,333,535, C>G on the plus strand (G>C on the coding strand, the complement: MUTYH is on the minus strand). VCF-style: chr1-45333535-C-G. GRCh37 (hg19) VCF-style: chr1-45799207-C-G.
Other names: c.145G>C, p.Val49Leu (NM_001048172.2, NM_001407071.1, NM_001407078.1 and 2 more transcripts); c.142G>C, p.Val48Leu (NM_001048173.2, NM_001293195.2, NM_001407070.1 and 6 more transcripts); c.226G>C, p.Val76Leu (NM_001128425.2); c.187G>C, p.Val63Leu (NM_001293190.2); c.175G>C, p.Val59Leu (NM_001293191.2, NM_001407077.1); c.-130G>C (NM_001350650.2); c.217G>C, p.Val73Leu (NM_001407069.1, NM_012222.3); c.184G>C, p.Val62Leu (NM_001407073.1, NM_001407083.1, NM_001407085.1); and 4 more; short protein forms V55L, V73L, V49L, V59L, V62L, V63L, V76L, V20L.
Identifiers: ClinVar variation 4113525 (VCV004113525.1).